The following is an entry in ClinVar:

NM_015450.3(POT1):c.664G>A (p.Val222Ile)

Gene: POT1 (protection of telomeres 1; minus strand). Cytogenetic location: 7q31.33.
Variant type: single nucleotide variant.
Coding change: c.664G>A on transcript NM_015450.3 (MANE Select); coding-DNA position 664, G replaced by A.
Protein change: p.Val222Ile; replaces valine 222 with isoleucine.
Molecular consequence: missense variant. On other transcripts: non-coding transcript variant (3).
Genome position (GRCh38, 1-based): chr7:124,858,995, C>T on the plus strand (G>A on the coding strand, the complement: POT1 is on the minus strand). VCF-style: chr7-124858995-C-T. GRCh37 (hg19) VCF-style: chr7-124499049-C-T.
Other names: c.271G>A, p.Val91Ile (NM_001042594.2); short protein forms V91I, V222I.
Identifiers: ClinVar variation 1754686 (VCV001754686.3), dbSNP rs2116525496, ClinGen allele CA369056159.
Genomic context (GRCh38, chr7:124,858,995, plus strand): 5'-ATTTTTTCCTACTATACATCACCTTCAGAGATCTTGCCACATGAACATGGTTATCGTAGA[C>T]TAAAATGTCTATTGTCAGATTTTGTAGCCGATGGATGTGACTTAAATCACCTTCAAGAAC-3'
Protein context (NP_056265.2, residues 212-232): RLQNLTIDIL[Val222Ile]YDNHVHVARS

ClinVar aggregate classification (germline): Uncertain significance (1 of 4 stars; one submission).

Conditions:
Hereditary cancer-predisposing syndrome. Also called: Neoplastic Syndromes, Hereditary; Tumor predisposition; Hereditary Cancer Syndrome; Hereditary neoplastic syndrome. Identifiers: Orphanet 140162, MedGen C0027672, MeSH D009386, MONDO:0015356.

Submission:

Ambry Genetics
Classification: Uncertain significance for Hereditary cancer-predisposing syndrome. Last evaluated: 2025-08-21. Review status: criteria provided, single submitter. Criteria: Ambry Variant Classification Scheme 2023. Collection method: clinical testing. Allele origin: germline.
Comment: The p.V222I variant (also known as c.664G>A), located in coding exon 5 of the POT1 gene, results from a G to A substitution at nucleotide position 664. The valine at codon 222 is replaced by isoleucine, an amino acid with highly similar properties. This amino acid position is highly conserved in available vertebrate species. In addition, this alteration is predicted to be tolerated by in silico analysis. Based on the available evidence, the clinical significance of this variant remains unclear.